The following is an entry in ClinVar:

NM_001369.3(DNAH5):c.13126-2A>C

Gene: DNAH5 (dynein axonemal heavy chain 5; minus strand). Cytogenetic location: 5p15.2.
Variant type: single nucleotide variant.
Coding change: c.13126-2A>C on transcript NM_001369.3 (MANE Select); the canonical splice acceptor site of the intron before coding-DNA position 13126, A replaced by C.
Molecular consequence: splice acceptor variant.
Genome position (GRCh38, 1-based): chr5:13,708,337, T>G on the plus strand (A>C on the coding strand, the complement: DNAH5 is on the minus strand). VCF-style: chr5-13708337-T-G. GRCh37 (hg19) VCF-style: chr5-13708446-T-G.
Identifiers: ClinVar variation 216084 (VCV000216084.12), dbSNP rs863224503, ClinGen allele CA337114.
Genomic context (GRCh38, chr5:13,708,337, plus strand): 5'-TGCCTGAGGAAAATGTTCATAGGCTGGAATGGCCCCATCTTCTGCAGCCTCTCTTTTACC[T>G]GCCATGGAGACATTCAAAGCACATGTTAACAATTAGCTACTAAGGATTTTATAGACCTGG-3'

ClinVar aggregate classification (germline): Pathogenic (1 of 4 stars; one submission).

Conditions:
Primary ciliary dyskinesia. Also called: Ciliary dyskinesia. Identifiers: Orphanet 244, MedGen C0008780, MONDO:0016575, HP:0012265.

Submission:

Labcorp Genetics (formerly Invitae), Labcorp
Classification: Pathogenic for Primary ciliary dyskinesia. Last evaluated: 2019-01-10. Review status: criteria provided, single submitter. Criteria: Invitae Variant Classification Sherloc (09022015). Collection method: clinical testing. Allele origin: germline.
Comment: For these reasons, this variant has been classified as Pathogenic. Donor and acceptor splice site variants typically lead to a loss of protein function (PMID: 16199547), and loss-of-function variants in DNAH5 are known to be pathogenic (PMID: 11788826, 16627867). A variant that affects this splice site has been observed in an individual affected with primary ciliary dyskinesia (PMID: 16627867). This variant is not present in population databases (ExAC no frequency). This sequence change affects an acceptor splice site in intron 75 of the DNAH5 gene. It is expected to disrupt RNA splicing and likely results in an absent or disrupted protein product.

Literature cited by the submitters: PubMed 16199547; PubMed 11788826; PubMed 16627867.